The following is an entry in ClinVar:

NM_181507.2(HPS5):c.2318T>C (p.Leu773Pro)

Gene: HPS5 (HPS5 biogenesis of lysosomal organelles complex 2 subunit 2; minus strand). Cytogenetic location: 11p15.1.
Variant type: single nucleotide variant.
Coding change: c.2318T>C on transcript NM_181507.2 (MANE Select); coding-DNA position 2318, T replaced by C.
Protein change: p.Leu773Pro; replaces leucine 773 with proline.
Molecular consequence: missense variant.
Genome position (GRCh38, 1-based): chr11:18,291,564, A>G on the plus strand (T>C on the coding strand, the complement: HPS5 is on the minus strand). VCF-style: chr11-18291564-A-G. GRCh37 (hg19) VCF-style: chr11-18313111-A-G.
Other names: c.1976T>C, p.Leu659Pro (NM_007216.4, NM_181508.2); short protein forms L659P, L773P.
Identifiers: ClinVar variation 2176859 (VCV002176859.2), dbSNP rs774127949, ClinGen allele CA5909883.

ClinVar aggregate classification (germline): Uncertain significance. Review status: criteria provided, multiple submitters, no conflicts (2 of 4 stars). 2 submissions from 2 submitters: Uncertain significance (2). Last evaluated 2025-10-30.

Conditions:
Inborn genetic diseases. Identifiers: MedGen C0950123, MeSH D030342.

Allele frequency attached by ClinVar (database versions not stated): ExAC 0.00002; gnomAD exomes 0.00001; gnomAD 0.00007; TOPMed 0.00003.
gnomAD v4.1: 18 of 1,611,246 alleles (0.0011%); highest among the groups gnomAD compares: African/African-American, 0.024%; no homozygotes.

Submissions (2):

Ambry Genetics
Classification: Uncertain significance for Inborn genetic diseases. Last evaluated: 2025-10-30. Review status: criteria provided, single submitter. Criteria: Ambry Variant Classification Scheme 2023. Collection method: clinical testing. Allele origin: germline.

Labcorp Genetics (formerly Invitae), Labcorp
Classification: Uncertain significance. Last evaluated: 2022-03-01. Review status: criteria provided, single submitter. Criteria: Invitae Variant Classification Sherloc (09022015). Collection method: clinical testing. Allele origin: germline.
Comment: This sequence change replaces leucine, which is neutral and non-polar, with proline, which is neutral and non-polar, at codon 773 of the HPS5 protein (p.Leu773Pro). This variant is present in population databases (rs774127949, gnomAD 0.01%). This variant has not been reported in the literature in individuals affected with HPS5-related conditions. Algorithms developed to predict the effect of missense changes on protein structure and function output the following: SIFT: "Deleterious"; PolyPhen-2: "Benign"; Align-GVGD: "Class C0". The proline amino acid residue is found in multiple mammalian species, which suggests that this missense change does not adversely affect protein function. In summary, the available evidence is currently insufficient to determine the role of this variant in disease. Therefore, it has been classified as a Variant of Uncertain Significance.